The following is an entry in ClinVar:

NM_001286445.3(RIPOR2):c.2794G>C (p.Glu932Gln)

Gene: RIPOR2 (RHO family interacting cell polarization regulator 2; minus strand). Cytogenetic location: 6p22.3.
Variant type: single nucleotide variant.
Coding change: c.2794G>C on transcript NM_001286445.3 (MANE Select); coding-DNA position 2794, G replaced by C.
Protein change: p.Glu932Gln; replaces glutamic acid 932 with glutamine.
Molecular consequence: missense variant.
Genome position (GRCh38, 1-based): chr6:24,825,300, C>G on the plus strand (G>C on the coding strand, the complement: RIPOR2 is on the minus strand). VCF-style: chr6-24825300-C-G. GRCh37 (hg19) VCF-style: chr6-24825528-C-G.
Other names: c.2707G>C, p.Glu903Gln (NM_001346031.2, NM_001346032.2); c.2857G>C, p.Glu953Gln (NM_014722.5); short protein forms E903Q, E932Q, E953Q.
Identifiers: ClinVar variation 3342124 (VCV003342124.16).

ClinVar aggregate classification (germline): Uncertain significance (1 of 4 stars; one submission).

Submission:

CeGaT Center for Human Genetics Tuebingen
Classification: Uncertain significance. Last evaluated: 2024-08-01. Review status: criteria provided, single submitter. Criteria: CeGaT Center For Human Genetics Tuebingen Variant Classification Criteria Version 2. Collection method: clinical testing. Allele origin: germline. Affected: yes. Observed: 1 variant allele.
Comment: RIPOR2: PM2, BP4